The following is an entry in ClinVar:

NM_133379.5(TTN):c.13412G>C (p.Gly4471Ala)

Gene: TTN (titin; minus strand). Cytogenetic location: 2q31.2.
Variant type: single nucleotide variant.
Coding change: c.13412G>C on transcript NM_133379.5; coding-DNA position 13412, G replaced by C.
Protein change: p.Gly4471Ala; replaces glycine 4471 with alanine.
Molecular consequence: missense variant. On other transcripts: intron variant (6).
Genome position (GRCh38, 1-based): chr2:178,748,988, C>G on the plus strand (G>C on the coding strand, the complement: TTN is on the minus strand). VCF-style: chr2-178748988-C-G. GRCh37 (hg19) VCF-style: chr2-179613715-C-G.
Other names: c.10222+4136G>C (NM_003319.4); c.10798+4136G>C (NM_133437.4); c.10597+4136G>C (NM_133432.3); c.10360+4136G>C (NM_133378.4, NM_001256850.1); c.11311+4136G>C (NM_001267550.2); c.13412G>C (NM_133379.4); short protein forms G4471A.
Identifiers: ClinVar variation 192054 (VCV000192054.45), dbSNP rs145919543, ClinGen allele CA238196.

ClinVar aggregate classification (germline): Conflicting classifications of pathogenicity. Review status: criteria provided, conflicting classifications (1 of 4 stars). 8 submissions from 8 submitters: Uncertain significance (6); Likely benign (2). Last evaluated 2026-01-29.

Conditions:
TTN-related disorder. Also called: TTN-related condition; TTN-related disease; TTN-related disorders.
Dilated cardiomyopathy 1G (CMD1G). Identifiers: Orphanet 154, MedGen C1858763, MONDO:0011400, OMIM 604145.
Myopathy, myofibrillar, 9, with early respiratory failure (MFM9). Also called: EDSTROM MYOPATHY; MYOPATHY, PROXIMAL, WITH EARLY RESPIRATORY MUSCLE INVOLVEMENT; Hereditary myopathy with early respiratory failure; Myopathy, distal, with early respiratory failure, autosomal dominant. Identifiers: Orphanet 178464, Orphanet 34521, MedGen C1863599, MONDO:0011362, OMIM 603689.
Autosomal recessive limb-girdle muscular dystrophy type 2J (LGMDR10). Also called: Limb-girdle muscular dystrophy, type 2J; MUSCULAR DYSTROPHY, LIMB-GIRDLE, AUTOSOMAL RECESSIVE 10. Identifiers: Orphanet 140922, MedGen C1837342, MONDO:0012127, OMIM 608807.
Tibial muscular dystrophy (TMD). Also called: Udd Distal Myopathy – Tibial Muscular Dystrophy; Tibial muscular dystrophy, tardive; UDD MYOPATHY. Identifiers: Orphanet 609, MedGen C1838244, MONDO:0010870, OMIM 600334.
Early-onset myopathy with fatal cardiomyopathy (CMYO5). Also called: CONGENITAL MYOPATHY 5 WITH CARDIOMYOPATHY; Salih Myopathy. Identifiers: Orphanet 289377, MedGen C2673677, MONDO:0012714, OMIM 611705. Disease mechanism: loss of function.
Hypertrophic cardiomyopathy 9. Also called: Familial hypertrophic cardiomyopathy 9. Identifiers: MedGen C1861065, MONDO:0013412, OMIM 613765.

Allele frequency attached by ClinVar (database versions not stated): ExAC 0.00007; TOPMed 0.00009; gnomAD 0.00011 and 0.00012; gnomAD exomes 0.00011 and 0.00015; ESP Exome Variant Server 0.00038.
gnomAD v4.1: 235 of 1,612,226 alleles (0.015%); highest among the groups gnomAD compares: Non-Finnish European, 0.016%; no homozygotes.

Submissions (8):

PreventionGenetics, part of Exact Sciences
Classification: Uncertain significance for TTN-related condition. Last evaluated: 2026-01-29. Review status: criteria provided, single submitter. Criteria: ACMG Guidelines, 2015. Collection method: clinical testing. Allele origin: germline.
Comment: The TTN c.13412G>C variant is predicted to result in the amino acid substitution p.Gly4471Ala. This variant is referred to as c.13412G>C (p.Gly4471Ala) in an alternate transcript NM_133379. To our knowledge, this variant has not been reported in individuals with TTN-related disorders in the literature. This variant is reported in 0.032% of alleles in individuals of European (Finnish) descent in gnomAD. Although we suspect that this variant may be benign, at this time, the clinical significance of this variant is uncertain due to the absence of conclusive functional and genetic evidence.

Molecular Diagnostic Laboratory for Inherited Cardiovascular Disease, Montreal Heart Institute
Classification: Likely benign. Last evaluated: 2025-04-09. Review status: criteria provided, single submitter. Criteria: ACMG Guidelines, 2015. Collection method: clinical testing. Allele origin: germline. Affected: no.

Blueprint Genetics
Classification: Likely benign. Last evaluated: 2024-09-05. Review status: criteria provided, single submitter. Criteria: ACMG Guidelines, 2015. Collection method: clinical testing. Allele origin: germline.

Fulgent Genetics
Classification: Uncertain significance for Tibial muscular dystrophy; Myopathy, myofibrillar, 9, with early respiratory failure; Dilated cardiomyopathy 1G; Autosomal recessive limb-girdle muscular dystrophy type 2J; Early-onset myopathy with fatal cardiomyopathy; Hypertrophic cardiomyopathy 9. Last evaluated: 2021-09-13. Review status: criteria provided, single submitter. Criteria: ACMG Guidelines, 2015. Collection method: clinical testing. Allele origin: unknown.

CeGaT Center for Human Genetics Tuebingen
Classification: Uncertain significance. Last evaluated: 2021-02-01. Review status: criteria provided, single submitter. Criteria: CeGaT Center For Human Genetics Tuebingen Variant Classification Criteria Version 2. Collection method: clinical testing. Allele origin: germline. Affected: yes. Observed: 1 variant allele.

Eurofins Ntd Llc (ga)
Classification: Uncertain significance. Last evaluated: 2017-04-06. Review status: criteria provided, single submitter. Criteria: EGL Classification Definitions 2015. Collection method: clinical testing. Allele origin: germline. Observed: 2 variant alleles, 2 heterozygotes.

Biesecker Lab/Clinical Genomics Section, National Institutes of Health
Classification: Uncertain significance. Last evaluated: 2013-06-24. Review status: criteria provided, single submitter. Criteria: Ng et al. (Circ Cardiovasc Genet. 2013). Collection method: research. Allele origin: unknown. Observed: 1 variant allele. Study: ClinSeq.
Comment: The study set was not selected for affection status in relation to any cancer. Pathogenicity categories were based on literature curation. See Pubmed ID:23861362 for details.

Medical sequencing

Breakthrough Genomics
Classification: Uncertain significance. Review status: criteria provided, single submitter. Criteria: ACMG Guidelines, 2015. Collection method: not provided. Allele origin: germline. Inheritance: Autosomal recessive inheritance. Affected: yes.